The following is an entry in ClinVar:

NM_001145809.2(MYH14):c.5C>A (p.Ala2Glu)

Gene: MYH14 (myosin heavy chain 14; plus strand). Cytogenetic location: 19q13.33.
Variant type: single nucleotide variant.
Coding change: c.5C>A on transcript NM_001145809.2 (MANE Select); coding-DNA position 5, C replaced by A.
Protein change: p.Ala2Glu; replaces alanine 2 with glutamic acid.
Molecular consequence: missense variant.
Genome position (GRCh38, 1-based): chr19:50,210,370, C>A. VCF-style: chr19-50210370-C-A. GRCh37 (hg19) VCF-style: chr19-50713627-C-A.
Other names: c.5C>A, p.Ala2Glu (NM_001077186.2, NM_024729.4); short protein forms A2E.
Identifiers: ClinVar variation 1308283 (VCV001308283.2), dbSNP rs750407725, ClinGen allele CA406945552.

ClinVar aggregate classification (germline): Uncertain significance (1 of 4 stars; one submission).

gnomAD v4.1: 1 of 1,587,204 alleles (0.000063%); highest among the groups gnomAD compares: Non-Finnish European, 0.000086%; no homozygotes.

Submission:

GeneDx
Classification: Uncertain significance. Last evaluated: 2019-03-27. Review status: criteria provided, single submitter. Criteria: GeneDx Variant Classification Process June 2021. Collection method: clinical testing. Allele origin: germline. Affected: yes.
Comment: Has not been previously published as pathogenic or benign to our knowledge; Not observed in large population cohorts (Lek et al., 2016); In silico analysis, which includes protein predictors and evolutionary conservation, supports that this variant does not alter protein structure/function